The following is an entry in ClinVar:

ClinVar aggregate classification (germline): Uncertain significance (1 of 4 stars; one submission).

Allele frequency attached by ClinVar (database versions not stated): gnomAD 0.00002; TOPMed 0.00002; gnomAD exomes 0.00014; ExAC 0.00027.
gnomAD v4.1: 196 of 1,613,006 alleles (0.012%); highest among the groups gnomAD compares: South Asian, 0.15%; 3 homozygotes.

Submission:

Labcorp Genetics (formerly Invitae), Labcorp
Classification: Uncertain significance. Last evaluated: 2022-06-14. Review status: criteria provided, single submitter. Criteria: Invitae Variant Classification Sherloc (09022015). Collection method: clinical testing. Allele origin: germline.
Comment: This sequence change replaces proline, which is neutral and non-polar, with glutamine, which is neutral and polar, at codon 163 of the PROP1 protein (p.Pro163Gln). The frequency data for this variant in the population databases is considered unreliable, as metrics indicate poor data quality at this position in the gnomAD database. This variant has not been reported in the literature in individuals affected with PROP1-related conditions. Algorithms developed to predict the effect of missense changes on protein structure and function (SIFT, PolyPhen-2, Align-GVGD) all suggest that this variant is likely to be disruptive. In summary, the available evidence is currently insufficient to determine the role of this variant in disease. Therefore, it has been classified as a Variant of Uncertain Significance.

NM_006261.5(PROP1):c.488C>A (p.Pro163Gln)

Gene: PROP1 (PROP paired-like homeobox 1; minus strand). Cytogenetic location: 5q35.3.
Variant type: single nucleotide variant.
Coding change: c.488C>A on transcript NM_006261.5 (MANE Select); coding-DNA position 488, C replaced by A.
Protein change: p.Pro163Gln; replaces proline 163 with glutamine.
Molecular consequence: missense variant.
Genome position (GRCh38, 1-based): chr5:177,992,902, G>T on the plus strand (C>A on the coding strand, the complement: PROP1 is on the minus strand). VCF-style: chr5-177992902-G-T. GRCh37 (hg19) VCF-style: chr5-177419903-G-T.
Other names: short protein forms P163Q.
Identifiers: ClinVar variation 2195372 (VCV002195372.1), dbSNP rs751075306, ClinGen allele CA3587516.